The following is an entry in ClinVar:

NM_014845.6(FIG4):c.2029T>C (p.Phe677Leu)

Gene: FIG4 (FIG4 phosphoinositide 5-phosphatase; plus strand). Cytogenetic location: 6q21.
Variant type: single nucleotide variant.
Coding change: c.2029T>C on transcript NM_014845.6 (MANE Select); coding-DNA position 2029, T replaced by C.
Protein change: p.Phe677Leu; replaces phenylalanine 677 with leucine.
Molecular consequence: missense variant.
Genome position (GRCh38, 1-based): chr6:109,786,382, T>C. VCF-style: chr6-109786382-T-C. GRCh37 (hg19) VCF-style: chr6-110107585-T-C.
Other names: short protein forms F677L.
Identifiers: ClinVar variation 2630030 (VCV002630030.1), dbSNP rs2486221683, ClinGen allele CA365231878.

ClinVar aggregate classification (germline): Uncertain significance (1 of 4 stars; one submission).

Conditions:
FIG4-related disorder. Also called: FIG4-related condition; FIG4-related disorders.

Submission:

PreventionGenetics, part of Exact Sciences
Classification: Uncertain significance for FIG4-related condition. Last evaluated: 2022-12-14. Review status: criteria provided, single submitter. Criteria: ACMG Guidelines, 2015. Collection method: clinical testing. Allele origin: germline.
Comment: The FIG4 c.2029T>C variant is predicted to result in the amino acid substitution p.Phe677Leu. To our knowledge, this variant has not been reported in the literature or in a large population database, indicating this variant is rare. At this time, the clinical significance of this variant is uncertain due to the absence of conclusive functional and genetic evidence.